The following is an entry in ClinVar:

ClinVar aggregate classification (germline): Conflicting classifications of pathogenicity. Review status: criteria provided, conflicting classifications (1 of 4 stars). 2 submissions from 2 submitters: Uncertain significance (1); Likely benign (1). Last evaluated 2025-02-27.

Allele frequency attached by ClinVar (database versions not stated): ExAC 0.00008; gnomAD 0.00009; TOPMed 0.00009.
gnomAD v4.1: 166 of 1,613,026 alleles (0.01%); highest among the groups gnomAD compares: Middle Eastern, 0.017%; no homozygotes.

Submissions (2):

Ambry Genetics
Classification: Uncertain significance. Last evaluated: 2025-02-27. Review status: criteria provided, single submitter. Criteria: Ambry Variant Classification Scheme 2023. Collection method: clinical testing. Allele origin: germline.

CeGaT Center for Human Genetics Tuebingen
Classification: Likely benign. Last evaluated: 2025-01-01. Review status: criteria provided, single submitter. Criteria: CeGaT Center For Human Genetics Tuebingen Variant Classification Criteria Version 2. Collection method: clinical testing. Allele origin: germline. Affected: yes. Observed: 1 variant allele.
Comment: ABCA13: BS2

NM_152701.5(ABCA13):c.2999A>T (p.Lys1000Ile)

Gene: ABCA13 (ATP binding cassette subfamily A member 13; plus strand). Cytogenetic location: 7p12.3.
Variant type: single nucleotide variant.
Coding change: c.2999A>T on transcript NM_152701.5 (MANE Select); coding-DNA position 2999, A replaced by T.
Protein change: p.Lys1000Ile; replaces lysine 1000 with isoleucine.
Molecular consequence: missense variant.
Genome position (GRCh38, 1-based): chr7:48,272,665, A>T. VCF-style: chr7-48272665-A-T. GRCh37 (hg19) VCF-style: chr7-48312262-A-T.
Other names: short protein forms K1000I.
Identifiers: ClinVar variation 2374356 (VCV002374356.16), dbSNP rs769404377, ClinGen allele CA4256785.